The following is an entry in ClinVar:

NM_003098.3(SNTA1):c.659C>T (p.Ala220Val)

Gene: SNTA1 (syntrophin alpha 1; minus strand). Cytogenetic location: 20q11.21.
Variant type: single nucleotide variant.
Coding change: c.659C>T on transcript NM_003098.3 (MANE Select); coding-DNA position 659, C replaced by T.
Protein change: p.Ala220Val; replaces alanine 220 with valine.
Molecular consequence: missense variant.
Genome position (GRCh38, 1-based): chr20:33,417,761, G>A on the plus strand (C>T on the coding strand, the complement: SNTA1 is on the minus strand). VCF-style: chr20-33417761-G-A. GRCh37 (hg19) VCF-style: chr20-32005567-G-A.
Other names: short protein forms A220V.
Identifiers: ClinVar variation 1035056 (VCV001035056.8), dbSNP rs1989910947, ClinGen allele CA408632311.

ClinVar aggregate classification (germline): Uncertain significance (1 of 4 stars; one submission).

Conditions:
Long QT syndrome (LQTS). Identifiers: MedGen C0023976, MeSH D008133, MONDO:0002442. Disease mechanism: loss of function. Inheritance: Various modes of inheritance.

Submission:

Labcorp Genetics (formerly Invitae), Labcorp
Classification: Uncertain significance for Long QT syndrome. Last evaluated: 2024-10-01. Review status: criteria provided, single submitter. Criteria: Invitae Variant Classification Sherloc (09022015). Collection method: clinical testing. Allele origin: germline.
Comment: This sequence change replaces alanine, which is neutral and non-polar, with valine, which is neutral and non-polar, at codon 220 of the SNTA1 protein (p.Ala220Val). This variant is not present in population databases (gnomAD no frequency). This variant has not been reported in the literature in individuals affected with SNTA1-related conditions. ClinVar contains an entry for this variant (Variation ID: 1035056). Invitae Evidence Modeling of protein sequence and biophysical properties (such as structural, functional, and spatial information, amino acid conservation, physicochemical variation, residue mobility, and thermodynamic stability) indicates that this missense variant is not expected to disrupt SNTA1 protein function with a negative predictive value of 80%. In summary, the available evidence is currently insufficient to determine the role of this variant in disease. Therefore, it has been classified as a Variant of Uncertain Significance.